The following is an entry in ClinVar:

NM_001257180.2(SLC20A2):c.1239_1242del (p.Ser413fs)

Gene: SLC20A2 (solute carrier family 20 member 2; minus strand). Cytogenetic location: 8p11.21.
Variant type: Deletion.
Coding change: c.1239_1242del on transcript NM_001257180.2 (MANE Select); coding-DNA positions 1239 to 1242, 4 bases deleted (TGAG; older notation c.1239_1242delTGAG).
Protein change: p.Ser413fs; shifts the reading frame from serine 413.
Molecular consequence: frameshift variant.
Genome position (GRCh38, 1-based): chr8:42,437,270-42,437,273, CTCA deleted on the plus strand (TGAG on the coding strand, the reverse complement: SLC20A2 is on the minus strand); deleting any 4 consecutive bases within chr8:42,437,270-42,437,275 gives the same sequence; the c. name uses the placement nearest the transcript's 3' end. VCF-style (leftmost placement, unchanged base first): chr8-42437269-TCTCA-T. GRCh37 (hg19) VCF-style: chr8-42294787-TCTCA-T.
Other names: c.1239_1242del, p.Ser413fs (NM_001257181.2, NM_006749.5); short protein forms S413fs.
Identifiers: ClinVar variation 2121489 (VCV002121489.4), dbSNP rs2487183134, ClinGen allele CA2580078315.

ClinVar aggregate classification (germline): Pathogenic (1 of 4 stars; one submission).

Submission:

Labcorp Genetics (formerly Invitae), Labcorp
Classification: Pathogenic. Last evaluated: 2022-04-04. Review status: criteria provided, single submitter. Criteria: Invitae Variant Classification Sherloc (09022015). Collection method: clinical testing. Allele origin: germline.
Comment: For these reasons, this variant has been classified as Pathogenic. This sequence change creates a premature translational stop signal (p.Ser413Argfs*41) in the SLC20A2 gene. It is expected to result in an absent or disrupted protein product. Loss-of-function variants in SLC20A2 are known to be pathogenic (PMID: 23334463). This variant is not present in population databases (gnomAD no frequency). This variant has not been reported in the literature in individuals affected with SLC20A2-related conditions.

Literature cited by the submitters: PubMed 23334463.